The following is an entry in ClinVar:

NM_015346.4(ZFYVE26):c.484_485del (p.Arg162fs)

Gene: ZFYVE26 (zinc finger FYVE-type containing 26; minus strand). Cytogenetic location: 14q24.1.
Variant type: Deletion.
Coding change: c.484_485del on transcript NM_015346.4 (MANE Select); coding-DNA positions 484 to 485, 2 bases deleted (AG; older notation c.484_485delAG).
Protein change: p.Arg162fs; shifts the reading frame from arginine 162.
Molecular consequence: frameshift variant.
Genome position (GRCh38, 1-based): chr14:67,807,799-67,807,800, CT deleted on the plus strand (AG on the coding strand, the reverse complement: ZFYVE26 is on the minus strand); deleting any 2 consecutive bases within chr14:67,807,799-67,807,801 gives the same sequence; the c. name uses the placement nearest the transcript's 3' end. VCF-style (leftmost placement, unchanged base first): chr14-67807798-CCT-C. GRCh37 (hg19) VCF-style: chr14-68274515-CCT-C.
Other names: short protein forms R162fs.
Identifiers: ClinVar variation 1724944 (VCV001724944.2), dbSNP rs2502881282, ClinGen allele CA2580088620.

ClinVar aggregate classification (germline): Likely pathogenic (1 of 4 stars; one submission).

Conditions:
Hereditary spastic paraplegia 15 (SPG15). Also called: SPASTIC PARAPLEGIA 15, AUTOSOMAL RECESSIVE; KJELLIN SYNDROME; SPASTIC PARAPLEGIA AND RETINAL DEGENERATION. Identifiers: Orphanet 100996, MedGen C1849128, MONDO:0010044, OMIM 270700.

Submission:

Myriad Genetics, Inc.
Classification: Likely pathogenic for Hereditary spastic paraplegia 15. Last evaluated: 2022-03-03. Review status: criteria provided, single submitter. Criteria: Myriad Women's Health Autosomal Recessive and X-Linked Classification Criteria (2021). Collection method: clinical testing. Allele origin: unknown.
Comment: NM_015346.3(ZFYVE26):c.484_485delAG(R162Afs*15) is expected to be pathogenic in the context of spastic paraplegia type 15. This variant is predicted to lead to an abnormal or absent protein product due to the creation of a premature termination codon in ZFYVE26, a gene where loss-of-function variants are known to be pathogenic. Please note: this variant was assessed in the context of healthy population screening.